The following is an entry in ClinVar:

ClinVar aggregate classification (germline): Likely pathogenic. Review status: reviewed by expert panel (3 of 4 stars). 2 submissions from 2 submitters: Likely pathogenic (1). 1 of the submissions does not count toward it. Last evaluated 2024-11-27.

Conditions:
Monogenic diabetes. Identifiers: Orphanet 183625, MedGen C3888631, MONDO:0015967.

Submissions (2):

ClinGen Monogenic Diabetes Variant Curation Expert Panel
Classification: Likely pathogenic for Monogenic diabetes. Last evaluated: 2024-11-27. Review status: reviewed by expert panel. Criteria: ClinGen Diabetes ACMG Specifications HNF1A V2.1.0. Collection method: curation. Allele origin: germline. Inheritance: Autosomal dominant inheritance.
Comment: The c.769A>C variant in the HNF1 homeobox A gene, HNF1A, causes an amino acid change of asparagine to histidine at codon 257 (p.(Asn257His)) of NM_000545.8. This variant is absent from gnomAD v2.1.1 (PM2_Supporting). This variant is located within a conserved region of the DNA binding domain (codons 107-174 and 201-280) of HNF1A, which is defined as critical for the protein’s function by the ClinGen MDEP (PM1_Supporting). Furthermore, it is predicted to be deleterious by computational evidence, with a REVEL score of 0.905, which is greater than the MDEP VCEP threshold of 0.70 (PP3). Another variant at this location, c.770A>C p.(Asn257Thr), has been classified as likely pathogenic by the ClinGen MDEP (PM5_Supporting). This variant was identified in one unrelated individual with non-autoimmune and non-absolute/near-absolute insulin-deficient diabetes, which is below the ClinGen MDEP threshold for PS4_Moderate to be applied (ClinVar: 2758582; internal lab contributors). However, this individual did have a clinical history highly specific for HNF1A-monogenic diabetes (MODY probability calculator result >50%, negative genetic testing for HNF4A, and negative antibodies) (PP4_Moderate; ClinVar ID: 2758582, internal lab contributors). This variant segregated with diabetes with one informative meiosis in a single family; however, this does not meet the thresholds for PP1 set by the ClinGen MDEP (internal lab contributors). In summary, c.769A>C meets the criteria to be classified as likely pathogenic for monogenic diabetes. ACMG/AMP criteria applied, as specified by the ClinGen MDEP VCEP (specification version 2.1.0, approved 8/11/2023): PM2_Supporting, PM1_Supporting, PM5_Supporting, PP3, PP4_Moderate.

Labcorp Genetics (formerly Invitae), Labcorp
Classification: Uncertain significance. Last evaluated: 2024-05-05. Review status: criteria provided, single submitter. Criteria: Invitae Variant Classification Sherloc (09022015). Collection method: clinical testing. Allele origin: germline. Not counted in ClinVar's aggregate classification.
Comment: This sequence change replaces asparagine, which is neutral and polar, with histidine, which is basic and polar, at codon 257 of the HNF1A protein (p.Asn257His). This variant is not present in population databases (gnomAD no frequency). This missense change has been observed in individual(s) with HNF1A-related conditions (Invitae). Advanced modeling of protein sequence and biophysical properties (such as structural, functional, and spatial information, amino acid conservation, physicochemical variation, residue mobility, and thermodynamic stability) has been performed at Invitae for this missense variant, however the output from this modeling did not meet the statistical confidence thresholds required to predict the impact of this variant on HNF1A protein function. In summary, the available evidence is currently insufficient to determine the role of this variant in disease. Therefore, it has been classified as a Variant of Uncertain Significance.

NM_000545.8(HNF1A):c.769A>C (p.Asn257His)

Gene: HNF1A (HNF1 homeobox A; plus strand). Cytogenetic location: 12q24.31.
Variant type: single nucleotide variant.
Coding change: c.769A>C on transcript NM_000545.8 (MANE Select); coding-DNA position 769, A replaced by C.
Protein change: p.Asn257His; replaces asparagine 257 with histidine.
Molecular consequence: missense variant.
Genome position (GRCh38, 1-based): chr12:120,994,219, A>C. VCF-style: chr12-120994219-A-C. GRCh37 (hg19) VCF-style: chr12-121432022-A-C.
Other names: NM_000545.8(HNF1A):c.769A>C; p.Asn257His; c.769A>C, p.Asn257His (NM_001406915.1, NM_001306179.2); short protein forms N257H.
Identifiers: ClinVar variation 2758582 (VCV002758582.4), dbSNP rs2135841512, ClinGen allele CA386966010.